The following is an entry in ClinVar:

NM_015338.6(ASXL1):c.3988C>T (p.Pro1330Ser)

Gene: ASXL1 (ASXL transcriptional regulator 1; plus strand). Cytogenetic location: 20q11.21.
Variant type: single nucleotide variant.
Coding change: c.3988C>T on transcript NM_015338.6 (MANE Select); coding-DNA position 3988, C replaced by T.
Protein change: p.Pro1330Ser; replaces proline 1330 with serine.
Molecular consequence: missense variant.
Genome position (GRCh38, 1-based): chr20:32,436,700, C>T. VCF-style: chr20-32436700-C-T. GRCh37 (hg19) VCF-style: chr20-31024503-C-T.
Other names: c.3805C>T, p.Pro1269Ser (NM_001363734.1); short protein forms P1330S, P1269S.
Identifiers: ClinVar variation 3439434 (VCV003439434.1).

ClinVar aggregate classification (germline): Uncertain significance (1 of 4 stars; one submission).

Conditions:
Inborn genetic diseases. Identifiers: MedGen C0950123, MeSH D030342.

Submission:

Ambry Genetics
Classification: Uncertain significance for Inborn genetic diseases. Last evaluated: 2024-12-04. Review status: criteria provided, single submitter. Criteria: Ambry Variant Classification Scheme 2023. Collection method: clinical testing. Allele origin: germline.
Comment: The p.P1330S variant (also known as c.3988C>T), located in coding exon 13 of the ASXL1 gene, results from a C to T substitution at nucleotide position 3988. The proline at codon 1330 is replaced by serine, an amino acid with similar properties. This amino acid position is conserved. In addition, this alteration is predicted to be tolerated by in silico analysis. Based on the available evidence, the clinical significance of this variant remains unclear.